The following is an entry in ClinVar:

ClinVar aggregate classification (germline): Benign/Likely benign. Review status: criteria provided, multiple submitters, no conflicts (2 of 4 stars). 4 submissions from 4 submitters: Benign (2); Likely benign (1). 1 of the submissions does not count toward it. Last evaluated 2026-01-27.

Conditions:
OPN1SW-related disorder. Also called: OPN1SW-related condition.

Allele frequency attached by ClinVar (database versions not stated): gnomAD exomes 0.00176 and 0.00215; 1000 Genomes Project 0.00200; 1000 Genomes Project 30x 0.00234; ExAC 0.00256; ESP Exome Variant Server 0.00315; TOPMed 0.00325; gnomAD 0.00328 and 0.00349.
gnomAD v4.1: 3,081 of 1,614,184 alleles (0.19%); highest among the groups gnomAD compares: African/African-American, 0.71%; 4 homozygotes.

Submissions (4):

Labcorp Genetics (formerly Invitae), Labcorp
Classification: Benign. Last evaluated: 2026-01-27. Review status: criteria provided, single submitter. Criteria: Invitae Variant Classification Sherloc (09022015). Collection method: clinical testing. Allele origin: germline.

Blueprint Genetics
Classification: Likely benign. Last evaluated: 2024-11-21. Review status: criteria provided, single submitter. Criteria: ACMG Guidelines, 2015. Collection method: clinical testing. Allele origin: germline.

Breakthrough Genomics
Classification: Benign. Review status: criteria provided, single submitter. Criteria: ACMG Guidelines, 2015. Collection method: not provided. Allele origin: germline. Inheritance: Autosomal dominant inheritance. Affected: yes.

PreventionGenetics, part of Exact Sciences
Classification: Benign for OPN1SW-related condition. Last evaluated: 2024-08-19. Review status: no assertion criteria provided. Collection method: clinical testing. Allele origin: germline. Not counted in ClinVar's aggregate classification.
Comment: This variant is classified as benign based on ACMG/AMP sequence variant interpretation guidelines (Richards et al. 2015 PMID: 25741868, with internal and published modifications).

NM_001385125.1(OPN1SW):c.481G>A (p.Val161Ile)

Gene: OPN1SW (opsin 1, short wave sensitive; minus strand). Cytogenetic location: 7q32.1.
Variant type: single nucleotide variant.
Coding change: c.481G>A on transcript NM_001385125.1 (MANE Select); coding-DNA position 481, G replaced by A.
Protein change: p.Val161Ile; replaces valine 161 with isoleucine.
Molecular consequence: missense variant.
Genome position (GRCh38, 1-based): chr7:128,775,017, C>T on the plus strand (G>A on the coding strand, the complement: OPN1SW is on the minus strand). VCF-style: chr7-128775017-C-T. GRCh37 (hg19) VCF-style: chr7-128415071-C-T.
Other names: NM_001708.2:c.490G>A; short protein forms V161I.
Identifiers: ClinVar variation 1164499 (VCV001164499.12), dbSNP rs143817931, ClinGen allele CA4472932.